The following is an entry in ClinVar:

ClinVar aggregate classification (germline): Uncertain significance (1 of 4 stars; one submission).

Conditions:
Generalized epilepsy with febrile seizures plus, type 7 (GEFSP7). Also called: GEFS+, TYPE 7. Identifiers: Orphanet 36387, MedGen C2751778, MONDO:0013470, OMIM 613863.
Neuropathy, hereditary sensory and autonomic, type 2A (HSAN2A). Also called: ACROOSTEOLYSIS, GIACCAI TYPE; ACROOSTEOLYSIS, NEUROGENIC; MORVAN DISEASE; NEUROPATHY, CONGENITAL SENSORY; NEUROPATHY, HEREDITARY SENSORY RADICULAR, AUTOSOMAL RECESSIVE; NEUROPATHY, HEREDITARY SENSORY, TYPE IIA. Identifiers: Orphanet 970, MedGen C2752089, MONDO:0024309, OMIM 201300.

gnomAD v4.1: 1 of 1,613,912 alleles (0.000062%); no homozygotes.

Submission:

Labcorp Genetics (formerly Invitae), Labcorp
Classification: Uncertain significance for Neuropathy, hereditary sensory and autonomic, type 2A; Generalized epilepsy with febrile seizures plus, type 7. Last evaluated: 2020-02-18. Review status: criteria provided, single submitter. Criteria: Invitae Variant Classification Sherloc (09022015). Collection method: clinical testing. Allele origin: germline.
Comment: Algorithms developed to predict the effect of missense changes on protein structure and function are either unavailable or do not agree on the potential impact of this missense change (SIFT: "Deleterious"; PolyPhen-2: "Benign"; Align-GVGD: "Class C0"). In summary, the available evidence is currently insufficient to determine the role of this variant in disease. Therefore, it has been classified as a Variant of Uncertain Significance. This variant has not been reported in the literature in individuals with SCN9A-related conditions. This variant is not present in population databases (ExAC no frequency). This sequence change replaces glutamic acid with valine at codon 1338 of the SCN9A protein (p.Glu1338Val). The glutamic acid residue is highly conserved and there is a moderate physicochemical difference between glutamic acid and valine.

NM_001365536.1(SCN9A):c.4046A>T (p.Glu1349Val)

Genes: SCN1A-AS1 (SCN1A and SCN9A antisense RNA 1; plus strand), SCN9A (sodium voltage-gated channel alpha subunit 9; minus strand). Cytogenetic location: 2q24.3.
Variant type: single nucleotide variant.
Coding change: c.4046A>T on transcript NM_001365536.1 (MANE Select); coding-DNA position 4046, A replaced by T.
Protein change: p.Glu1349Val; replaces glutamic acid 1349 with valine.
Molecular consequence: missense variant.
Genome position (GRCh38, 1-based): chr2:166,228,851, T>A on the plus strand (A>T on the coding strand, the complement: SCN9A is on the minus strand). VCF-style: chr2-166228851-T-A. GRCh37 (hg19) VCF-style: chr2-167085361-T-A.
Other names: c.4013A>T, p.Glu1338Val (NM_002977.4); short protein forms E1338V, E1349V.
Identifiers: ClinVar variation 1015009 (VCV001015009.9), dbSNP rs1694962515, ClinGen allele CA349063995.